The following is an entry in ClinVar:

ClinVar aggregate classification (germline): Benign/Likely benign. Review status: criteria provided, multiple submitters, no conflicts (2 of 4 stars). 5 submissions from 5 submitters: Benign (1); Likely benign (4). Last evaluated 2026-06-01.

Conditions:
Hereditary cancer-predisposing syndrome. Also called: Neoplastic Syndromes, Hereditary; Hereditary Cancer Syndrome; Tumor predisposition; Hereditary neoplastic syndrome. Identifiers: Orphanet 140162, MedGen C0027672, MeSH D009386, MONDO:0015356.
Pancreatic cancer, susceptibility to, 3. Identifiers: Orphanet 1333, MedGen C3150547, MONDO:0013236, OMIM 613348.
Fanconi anemia complementation group N. Also called: PALB2-Related Fanconi Anemia. Identifiers: Orphanet 84, MedGen C1835817, MONDO:0012565, OMIM 610832. Disease mechanism: loss of function.
Familial cancer of breast. Also called: Hereditary breast cancer; hereditary breast carcinoma; BREAST CANCER, FAMILIAL. Identifiers: Orphanet 227535, MedGen C0346153, MONDO:0016419, OMIM 114480. Disease mechanism: loss of function.

Allele frequency attached by ClinVar (database versions not stated): gnomAD exomes below 0.00001.
gnomAD v4.1: 2 of 1,613,504 alleles (0.00012%); highest among the groups gnomAD compares: Admixed American, 0.0033%; no homozygotes.

Submissions (5):

CeGaT Center for Human Genetics Tuebingen
Classification: Likely benign. Last evaluated: 2026-06-01. Review status: criteria provided, single submitter. Criteria: CeGaT Center For Human Genetics Tuebingen Variant Classification Criteria Version 2. Collection method: clinical testing. Allele origin: germline. Affected: yes. Observed: 1 variant allele.
Comment: PALB2: BP4, BP7

Labcorp Genetics (formerly Invitae), Labcorp
Classification: Likely benign for Familial cancer of breast. Last evaluated: 2025-09-10. Review status: criteria provided, single submitter. Criteria: Invitae Variant Classification Sherloc (09022015). Collection method: clinical testing. Allele origin: germline.

Myriad Genetics, Inc.
Classification: Benign for Familial cancer of breast. Last evaluated: 2025-01-21. Review status: criteria provided, single submitter. Criteria: Myriad Autosomal Dominant, Autosomal Recessive and X-Linked Classification Criteria (2023). Collection method: clinical testing. Allele origin: unknown.
Comment: This variant is considered benign. This variant is a silent/synonymous amino acid change and it is not expected to impact splicing.

Fulgent Genetics
Classification: Likely benign for Familial cancer of breast; Fanconi anemia complementation group N; Pancreatic cancer, susceptibility to, 3. Last evaluated: 2021-08-16. Review status: criteria provided, single submitter. Criteria: ACMG Guidelines, 2015. Collection method: clinical testing. Allele origin: unknown.

Ambry Genetics
Classification: Likely benign for Hereditary cancer-predisposing syndrome. Last evaluated: 2015-08-06. Review status: criteria provided, single submitter. Criteria: Ambry Variant Classification Scheme 2023. Collection method: clinical testing. Allele origin: germline.

NM_024675.4(PALB2):c.3204G>T (p.Gly1068=)

Gene: PALB2 (partner and localizer of BRCA2; minus strand). Cytogenetic location: 16p12.2.
Variant type: single nucleotide variant.
Coding change: c.3204G>T on transcript NM_024675.4 (MANE Select); coding-DNA position 3204, G replaced by T.
Protein change: p.Gly1068=; no amino-acid change (glycine 1068 retained).
Molecular consequence: synonymous variant.
Genome position (GRCh38, 1-based): chr16:23,608,010, C>A on the plus strand (G>T on the coding strand, the complement: PALB2 is on the minus strand). VCF-style: chr16-23608010-C-A. GRCh37 (hg19) VCF-style: chr16-23619331-C-A.
Identifiers: ClinVar variation 233338 (VCV000233338.21), dbSNP rs786203475, ClinGen allele CA10579927.